The following is an entry in ClinVar:

ClinVar aggregate classification (germline): Uncertain significance (1 of 4 stars; one submission).

Allele frequency attached by ClinVar (database versions not stated): gnomAD 0.00001; TOPMed 0.00001.
gnomAD v4.1: 64 of 1,602,968 alleles (0.004%); highest among the groups gnomAD compares: Non-Finnish European, 0.0055%; no homozygotes.

Submission:

Labcorp Genetics (formerly Invitae), Labcorp
Classification: Uncertain significance. Last evaluated: 2020-11-30. Review status: criteria provided, single submitter. Criteria: Invitae Variant Classification Sherloc (09022015). Collection method: clinical testing. Allele origin: germline.
Comment: This sequence change falls in intron 32 of the ABCA4 gene. It does not directly change the encoded amino acid sequence of the ABCA4 protein. It affects a nucleotide within the consensus splice site of the intron. This variant is not present in population databases (ExAC no frequency). This variant has not been reported in the literature in individuals with ABCA4-related conditions. Nucleotide substitutions within the consensus splice site are a relatively common cause of aberrant splicing (PMID: 17576681, 9536098). Algorithms developed to predict the effect of sequence changes on RNA splicing suggest that this variant may create or strengthen a splice site, but this prediction has not been confirmed by published transcriptional studies. In summary, the available evidence is currently insufficient to determine the role of this variant in disease. Therefore, it has been classified as a Variant of Uncertain Significance.

Literature cited by the submitters: PubMed 17576681; PubMed 9536098.

NM_000350.3(ABCA4):c.4667+6A>T

Gene: ABCA4 (ATP binding cassette subfamily A member 4; minus strand). Cytogenetic location: 1p22.1.
Variant type: single nucleotide variant.
Coding change: c.4667+6A>T on transcript NM_000350.3 (MANE Select); 6 bases into the intron after coding-DNA position 4667, A replaced by T.
Molecular consequence: intron variant.
Genome position (GRCh38, 1-based): chr1:94,023,380, T>A on the plus strand (A>T on the coding strand, the complement: ABCA4 is on the minus strand). VCF-style: chr1-94023380-T-A. GRCh37 (hg19) VCF-style: chr1-94488936-T-A.
Identifiers: ClinVar variation 1426667 (VCV001426667.3), dbSNP rs760131250, ClinGen allele CA26846224.